The following is an entry in ClinVar:

NM_001372044.2(SHANK3):c.409G>C (p.Gly137Arg)

Gene: SHANK3 (SH3 and multiple ankyrin repeat domains 3; plus strand). Cytogenetic location: 22q13.33.
Variant type: single nucleotide variant.
Coding change: c.409G>C on transcript NM_001372044.2 (MANE Select); coding-DNA position 409, G replaced by C.
Protein change: p.Gly137Arg; replaces glycine 137 with arginine.
Molecular consequence: missense variant.
Genome position (GRCh38, 1-based): chr22:50,675,168, G>C. VCF-style: chr22-50675168-G-C. GRCh37 (hg19) VCF-style: chr22-51113596-G-C.
Other names: c.184G>C, p.Gly62Arg (NM_033517.1); short protein forms G137R, G62R.
Identifiers: ClinVar variation 1722858 (VCV001722858.2), dbSNP rs2518369112, ClinGen allele CA515251337.

ClinVar aggregate classification (germline): Uncertain significance (1 of 4 stars; one submission).

Submission:

GeneDx
Classification: Uncertain significance. Last evaluated: 2022-05-06. Review status: criteria provided, single submitter. Criteria: GeneDx Variant Classification Process June 2021. Collection method: clinical testing. Allele origin: germline. Affected: yes.
Comment: Not observed at significant frequency in large population cohorts (gnomAD); In silico analysis supports that this missense variant has a deleterious effect on protein structure/function; Has not been previously published as pathogenic or benign to our knowledge